The following is an entry in ClinVar:

NM_000017.4(ACADS):c.68G>C (p.Arg23Pro)

Gene: ACADS (acyl-CoA dehydrogenase short chain; plus strand). Cytogenetic location: 12q24.31.
Variant type: single nucleotide variant.
Coding change: c.68G>C on transcript NM_000017.4 (MANE Select); coding-DNA position 68, G replaced by C.
Protein change: p.Arg23Pro; replaces arginine 23 with proline.
Molecular consequence: missense variant.
Genome position (GRCh38, 1-based): chr12:120,727,047, G>C. VCF-style: chr12-120727047-G-C. GRCh37 (hg19) VCF-style: chr12-121164850-G-C.
Other names: c.68G>C, p.Arg23Pro (NM_001302554.2); short protein forms R23P.
Identifiers: ClinVar variation 2904796 (VCV002904796.3), dbSNP rs773600043, ClinGen allele CA244513323.

ClinVar aggregate classification (germline): Uncertain significance (1 of 4 stars; one submission).

Conditions:
Deficiency of butyryl-CoA dehydrogenase (ACADSD). Also called: SCADH DEFICIENCY; ACADS DEFICIENCY; Short-Chain Acyl-CoA Dehydrogenase Deficiency; SCAD DEFICIENCY, MILD; ACYL-CoA DEHYDROGENASE, SHORT-CHAIN, DEFICIENCY OF; SCAD Deficiency. Identifiers: Orphanet 26792, MedGen C0342783, MONDO:0008722, OMIM 201470. Disease mechanism: May be benign.

gnomAD v4.1: 3 of 1,613,922 alleles (0.00019%); highest among the groups gnomAD compares: African/African-American, 0.004%; no homozygotes.

Submission:

Labcorp Genetics (formerly Invitae), Labcorp
Classification: Uncertain significance for Deficiency of butyryl-CoA dehydrogenase. Last evaluated: 2023-01-19. Review status: criteria provided, single submitter. Criteria: Invitae Variant Classification Sherloc (09022015). Collection method: clinical testing. Allele origin: germline.
Comment: This sequence change replaces arginine, which is basic and polar, with proline, which is neutral and non-polar, at codon 23 of the ACADS protein (p.Arg23Pro). This variant is present in population databases (no rsID available, gnomAD 0.01%). This variant has not been reported in the literature in individuals affected with ACADS-related conditions. Advanced modeling of protein sequence and biophysical properties (such as structural, functional, and spatial information, amino acid conservation, physicochemical variation, residue mobility, and thermodynamic stability) performed at Invitae indicates that this missense variant is expected to disrupt ACADS protein function. In summary, the available evidence is currently insufficient to determine the role of this variant in disease. Therefore, it has been classified as a Variant of Uncertain Significance.